The following is an entry in ClinVar:

ClinVar aggregate classification (germline): Pathogenic. Review status: criteria provided, multiple submitters, no conflicts (2 of 4 stars). 2 submissions from 2 submitters: Pathogenic (2). Last evaluated 2022-06-24.

Conditions:
Intellectual disability-facial dysmorphism syndrome due to SETD5 haploinsufficiency (MRD23). Also called: Intellectual developmental disorder, autosomal dominant 23. Identifiers: Orphanet 404440, MedGen C3810406, MONDO:0014336, OMIM 615761.

Submissions (2):

Victorian Clinical Genetics Services, Murdoch Childrens Research Institute
Classification: Pathogenic for Intellectual disability-facial dysmorphism syndrome due to SETD5 haploinsufficiency. Last evaluated: 2022-06-24. Review status: criteria provided, single submitter. Criteria: ACMG Guidelines, 2015. Collection method: clinical testing. Allele origin: germline. Inheritance: Autosomal dominant inheritance. Affected: yes.
Comment: Based on the classification scheme VCGS_Germline_v1.3.4, this variant is classified as Pathogenic. Following criteria are met: 0102 - Loss of function is a known mechanism of disease in this gene and is associated with intellectual disability, autosomal dominant 23 (MIM#615761). (I) 0107 - This gene is associated with autosomal dominant disease. (I) 0201 - Variant is predicted to cause nonsense-mediated decay (NMD) and loss of protein (premature termination codon is located at least 54 nucleotides upstream of the final exon-exon junction). (SP) 0251 - This variant is heterozygous. (I) 0301 - Variant is absent from gnomAD (both v2 and v3). (SP) 0701 - Other NMD-predicted variants comparable to the one identified in this case have very strong previous evidence for pathogenicity. There are at least ten previously reported likely pathogenic or pathogenic NMD-predicted variants (DECIPHER, ClinVar). (SP) 0802 - This variant has moderate previous evidence of pathogenicity in unrelated individuals. (SP) 0905 - No published segregation evidence has been identified for this variant. (I) 1007 - No published functional evidence has been identified for this variant. (SP) Legend: (SP) - Supporting pathogenic, (I) - Information, (SB) - Supporting benign

GeneDx
Classification: Pathogenic. Last evaluated: 2017-05-04. Review status: criteria provided, single submitter. Criteria: GeneDx Variant Classification (06012015). Collection method: clinical testing. Allele origin: germline. Affected: yes.
Comment: The c.1741_1742delCA variant in the SETD5 gene has not been reported previously as a pathogenic variant nor as a benign variant, to our knowledge. The c.1741_1742delCA variant causes a frameshift starting with codon Glutamine 581, changes this amino acid to a Glutamic acid residue, and creates a premature Stop codon at position 31 of the new reading frame, denoted p.Gln581GlufsX31. This variant is predicted to cause loss of normal protein function either through protein truncation or nonsense-mediated mRNA decay. The c.1741_1742delCA variant is not observed in large population cohorts (Lek et al., 2016; 1000 Genomes Consortium et al., 2015; Exome Variant Server). We interpret c.1741_1742delCA as a pathogenic variant.

NM_001080517.3(SETD5):c.1741_1742del (p.Gln581fs)

Gene: SETD5 (SET domain containing 5; plus strand). Cytogenetic location: 3p25.3.
Variant type: Microsatellite.
Coding change: c.1741_1742del on transcript NM_001080517.3 (MANE Select); coding-DNA positions 1741 to 1742, 2 bases deleted (CA; older notation c.1741_1742delCA).
Protein change: p.Gln581fs; shifts the reading frame from glutamine 581.
Molecular consequence: frameshift variant.
Genome position (GRCh38, 1-based): chr3:9,447,266-9,447,267, CA deleted; deleting any 2 consecutive bases within chr3:9,447,264-9,447,267 gives the same sequence; the c. name uses the placement nearest the transcript's 3' end. VCF-style (leftmost placement, unchanged base first): chr3-9447263-CCA-C. GRCh37 (hg19) VCF-style: chr3-9488947-CCA-C.
Other names: c.1447_1448del, p.Gln483fs (NM_001292043.2, NM_001349451.2); short protein forms Q581fs, Q483fs.
Identifiers: ClinVar variation 429986 (VCV000429986.3), dbSNP rs1131691711, ClinGen allele CA645369325.